The following is an entry in ClinVar:

NM_172107.4(KCNQ2):c.811G>A (p.Gly271Ser)

Gene: KCNQ2 (potassium voltage-gated channel subfamily Q member 2; minus strand). Cytogenetic location: 20q13.33.
Variant type: single nucleotide variant.
Coding change: c.811G>A on transcript NM_172107.4 (MANE Select); coding-DNA position 811, G replaced by A.
Protein change: p.Gly271Ser; replaces glycine 271 with serine.
Molecular consequence: missense variant.
Genome position (GRCh38, 1-based): chr20:63,442,411, C>T on the plus strand (G>A on the coding strand, the complement: KCNQ2 is on the minus strand). VCF-style: chr20-63442411-C-T. GRCh37 (hg19) VCF-style: chr20-62073764-C-T.
Other names: c.811G>A (NM_172107.2); c.811G>A, p.Gly271Ser (NM_001382235.1, NM_004518.6, NM_172106.3 and 2 more transcripts); short protein forms G271S.
Identifiers: ClinVar variation 1522201 (VCV001522201.11), dbSNP rs1064797284, ClinGen allele CA409653339.

ClinVar aggregate classification (germline): Pathogenic/Likely pathogenic. Review status: criteria provided, multiple submitters, no conflicts (2 of 4 stars). 3 submissions from 3 submitters: Pathogenic (2); Likely pathogenic (1). Last evaluated 2026-01-22.

Conditions:
Early-infantile DEE. Also called: Early infantile epileptic encephalopathy with suppression bursts; Early infantile epileptic encephalopathy; Ohtahara syndrome. Identifiers: Orphanet 1934, MedGen C0393706, MONDO:0800491.
Developmental and epileptic encephalopathy, 7 (DEE7). Also called: Early infantile epileptic encephalopathy 7; KCNQ2-Related Neonatal Epileptic Encephalopathy; KCNQ2-Related Neonatal-Onset Developmental and Epileptic Encephalopathy (NEO-DEE). Identifiers: Orphanet 439218, MedGen C3150986, MONDO:0013387, OMIM 613720.

Submissions (3):

GeneDx
Classification: Pathogenic. Last evaluated: 2026-01-22. Review status: criteria provided, single submitter. Criteria: GeneDx Variant Classification Process June 2021. Collection method: clinical testing. Allele origin: germline.
Comment: Not observed at significant frequency in large population cohorts (gnomAD); In silico analysis supports that this missense variant has a deleterious effect on protein structure/function; Has not been previously published as pathogenic or benign to our knowledge; This variant is associated with the following publications: (PMID: 25960349, 32917465, 16691402, 24318194, 31418850, 25959266, 27602407)

Victorian Clinical Genetics Services, Murdoch Childrens Research Institute
Classification: Pathogenic for Developmental and epileptic encephalopathy, 7. Last evaluated: 2023-02-03. Review status: criteria provided, single submitter. Criteria: ACMG Guidelines, 2015. Collection method: clinical testing. Allele origin: germline. Inheritance: Autosomal dominant inheritance. Affected: yes.
Comment: Based on the classification scheme VCGS_Germline_v1.3.4, this variant is classified as Pathogenic. Following criteria are met: 0103 - Dominant negative and loss of function are known mechanisms of disease in this gene and are associated with developmental and epileptic encephalopathy 7 (DEE; MIM#613720) and benign neonatal seizures, 1 (BFNE; MIM#121200), respectively (GeneReviews). There is currently no phenotypic correlation in terms of variant types or protein location (PMID: 31418850). (I) 0107 - This gene is associated with autosomal dominant disease. (I) 0112 - The condition associated with this gene has incomplete penetrance however, this is only reported for patients with BNS (PMID: 25959266). (I) 0200 - Variant is predicted to result in a missense amino acid change from glycine to serine. (I) 0251 - This variant is heterozygous. (I) 0301 - Variant is absent from gnomAD (both v2 and v3). (SP) 0502 - Missense variant with conflicting in silico predictions and uninformative conservation. (I) 0603 - Missense variant in a region that is highly intolerant to missense variation (high constraint region in DECIPHER) in the pore domain (UniProt). (SP) 0702 - Other missense variants comparable to the one identified in this case have strong previous evidence for pathogenicity. Three alternative changes at the same codon have been previously reported in four individuals, including one variant that was seen in 17 affected members of one family with neonatal onset seizures (PMID: 25960349, 33659638, 16691402). (SP) 0807 - This variant has no previous evidence of pathogenicity. (I) 0905 - No published segregation evidence has been identified for this variant. (I) 1007 - No published functional evidence has been identified for this variant. (SP) Legend: (SP) - Supporting pathogenic, (I) - Information, (SB) - Supporting benign

Labcorp Genetics (formerly Invitae), Labcorp
Classification: Likely pathogenic for Early-infantile DEE. Last evaluated: 2022-08-26. Review status: criteria provided, single submitter. Criteria: Invitae Variant Classification Sherloc (09022015). Collection method: clinical testing. Allele origin: germline.
Comment: This sequence change replaces glycine, which is neutral and non-polar, with serine, which is neutral and polar, at codon 271 of the KCNQ2 protein (p.Gly271Ser). This variant is not present in population databases (gnomAD no frequency). This variant has not been reported in the literature in individuals affected with KCNQ2-related conditions. ClinVar contains an entry for this variant (Variation ID: 1522201). Advanced modeling of protein sequence and biophysical properties (such as structural, functional, and spatial information, amino acid conservation, physicochemical variation, residue mobility, and thermodynamic stability) performed at Invitae indicates that this missense variant is expected to disrupt KCNQ2 protein function. This variant disrupts the p.Gly271 amino acid residue in KCNQ2. Other variant(s) that disrupt this residue have been determined to be pathogenic (PMID: 16691402; Invitae). This suggests that this residue is clinically significant, and that variants that disrupt this residue are likely to be disease-causing. In summary, the currently available evidence indicates that the variant is pathogenic, but additional data are needed to prove that conclusively. Therefore, this variant has been classified as Likely Pathogenic.

Literature cited by the submitters: PubMed 16691402 (cited by Victorian Clinical Genetics Services, Murdoch Childrens Research Institute and Labcorp Genetics (formerly Invitae), Labcorp); PubMed 24318194 (cited by Victorian Clinical Genetics Services, Murdoch Childrens Research Institute); PubMed 25959266 (cited by Victorian Clinical Genetics Services, Murdoch Childrens Research Institute); PubMed 25960349 (cited by Victorian Clinical Genetics Services, Murdoch Childrens Research Institute); PubMed 32917465 (cited by Victorian Clinical Genetics Services, Murdoch Childrens Research Institute); PubMed 33659638 (cited by Victorian Clinical Genetics Services, Murdoch Childrens Research Institute); PubMed 31418850 (cited by Victorian Clinical Genetics Services, Murdoch Childrens Research Institute).